The following is an entry in ClinVar:

NM_003737.4(DCHS1):c.5230G>A (p.Glu1744Lys)

Gene: DCHS1 (dachsous cadherin-related 1; minus strand). Cytogenetic location: 11p15.4.
Variant type: single nucleotide variant.
Coding change: c.5230G>A on transcript NM_003737.4 (MANE Select); coding-DNA position 5230, G replaced by A.
Protein change: p.Glu1744Lys; replaces glutamic acid 1744 with lysine.
Molecular consequence: missense variant.
Genome position (GRCh38, 1-based): chr11:6,628,762, C>T on the plus strand (G>A on the coding strand, the complement: DCHS1 is on the minus strand). VCF-style: chr11-6628762-C-T. GRCh37 (hg19) VCF-style: chr11-6649993-C-T.
Other names: short protein forms E1744K.
Identifiers: ClinVar variation 1396624 (VCV001396624.6), dbSNP rs2134622092, ClinGen allele CA379396601.

ClinVar aggregate classification (germline): Uncertain significance (1 of 4 stars; one submission).

Allele frequency attached by ClinVar (database versions not stated): gnomAD exomes below 0.00001.
gnomAD v4.1: 2 of 1,614,014 alleles (0.00012%); highest among the groups gnomAD compares: Non-Finnish European, 0.000085%; no homozygotes.

Submission:

Labcorp Genetics (formerly Invitae), Labcorp
Classification: Uncertain significance. Last evaluated: 2022-07-11. Review status: criteria provided, single submitter. Criteria: Invitae Variant Classification Sherloc (09022015). Collection method: clinical testing. Allele origin: germline.
Comment: This variant has not been reported in the literature in individuals affected with DCHS1-related conditions. This variant is not present in population databases (gnomAD no frequency). This sequence change replaces glutamic acid, which is acidic and polar, with lysine, which is basic and polar, at codon 1744 of the DCHS1 protein (p.Glu1744Lys). In summary, the available evidence is currently insufficient to determine the role of this variant in disease. Therefore, it has been classified as a Variant of Uncertain Significance. Advanced modeling of protein sequence and biophysical properties (such as structural, functional, and spatial information, amino acid conservation, physicochemical variation, residue mobility, and thermodynamic stability) performed at Invitae indicates that this missense variant is not expected to disrupt DCHS1 protein function. ClinVar contains an entry for this variant (Variation ID: 1396624).